The following is an entry in ClinVar:

NM_207122.2(EXT2):c.1165C>G (p.Gln389Glu)

Gene: EXT2 (exostosin glycosyltransferase 2; plus strand). Cytogenetic location: 11p11.2.
Variant type: single nucleotide variant.
Coding change: c.1165C>G on transcript NM_207122.2 (MANE Select); coding-DNA position 1165, C replaced by G.
Protein change: p.Gln389Glu; replaces glutamine 389 with glutamic acid.
Molecular consequence: missense variant.
Genome position (GRCh38, 1-based): chr11:44,130,130, C>G. VCF-style: chr11-44130130-C-G. GRCh37 (hg19) VCF-style: chr11-44151680-C-G.
Other names: c.1264C>G, p.Gln422Glu (NM_000401.3); c.1165C>G, p.Gln389Glu (NM_001178083.3, NM_001389628.1, NM_001389630.1); short protein forms Q422E, Q389E.
Identifiers: ClinVar variation 938271 (VCV000938271.10), dbSNP rs1203844985, ClinGen allele CA380170526.

ClinVar aggregate classification (germline): Uncertain significance (1 of 4 stars; one submission).

Conditions:
Exostoses, multiple, type 2 (EXT2). Also called: Hereditary Multiple Osteochondromatosis, Type II; EXOSTOSES, MULTIPLE, TYPE II. Identifiers: Orphanet 321, MedGen C1851413, MONDO:0007586, OMIM 133701.

Allele frequency attached by ClinVar (database versions not stated): gnomAD exomes below 0.00001; TOPMed below 0.00001.
gnomAD v4.1: 1 of 1,613,784 alleles (0.000062%); highest among the groups gnomAD compares: East Asian, 0.0022%; no homozygotes.

Submission:

Labcorp Genetics (formerly Invitae), Labcorp
Classification: Uncertain significance for Exostoses, multiple, type 2. Last evaluated: 2019-09-21. Review status: criteria provided, single submitter. Criteria: Invitae Variant Classification Sherloc (09022015). Collection method: clinical testing. Allele origin: germline.
Comment: This variant has not been reported in the literature in individuals with EXT2-related conditions. In summary, the available evidence is currently insufficient to determine the role of this variant in disease. Therefore, it has been classified as a Variant of Uncertain Significance. Algorithms developed to predict the effect of missense changes on protein structure and function are either unavailable or do not agree on the potential impact of this missense change (SIFT: "Deleterious"; PolyPhen-2: "Benign"; Align-GVGD: "Class C0"). This variant is not present in population databases (ExAC no frequency). This sequence change replaces glutamine with glutamic acid at codon 389 of the EXT2 protein (p.Gln389Glu). The glutamine residue is highly conserved and there is a small physicochemical difference between glutamine and glutamic acid.